The following is an entry in ClinVar:

NM_003482.4(KMT2D):c.7123A>G (p.Thr2375Ala)

Gene: KMT2D (lysine methyltransferase 2D; minus strand). Cytogenetic location: 12q13.12.
Variant type: single nucleotide variant.
Coding change: c.7123A>G on transcript NM_003482.4 (MANE Select); coding-DNA position 7123, A replaced by G.
Protein change: p.Thr2375Ala; replaces threonine 2375 with alanine.
Molecular consequence: missense variant.
Genome position (GRCh38, 1-based): chr12:49,040,647, T>C on the plus strand (A>G on the coding strand, the complement: KMT2D is on the minus strand). VCF-style: chr12-49040647-T-C. GRCh37 (hg19) VCF-style: chr12-49434430-T-C.
Other names: short protein forms T2375A.
Identifiers: ClinVar variation 2580679 (VCV002580679.3), dbSNP rs2120532074, ClinGen allele CA384748766.

ClinVar aggregate classification (germline): Uncertain significance. Review status: criteria provided, multiple submitters, no conflicts (2 of 4 stars). 2 submissions from 2 submitters: Uncertain significance (2). Last evaluated 2025-09-29.

Conditions:
KMT2D-related disorder. Also called: KMT2D-Related Disorders.

Submissions (2):

GeneDx
Classification: Uncertain significance. Last evaluated: 2025-09-29. Review status: criteria provided, single submitter. Criteria: GeneDx Variant Classification Process June 2021. Collection method: clinical testing. Allele origin: germline.
Comment: Not observed at significant frequency in large population cohorts (gnomAD); In silico analysis suggests that this missense variant does not alter protein structure/function; Has not been previously published as pathogenic or benign to our knowledge

PreventionGenetics, part of Exact Sciences
Classification: Uncertain significance for KMT2D-related condition. Last evaluated: 2023-01-12. Review status: criteria provided, single submitter. Criteria: ACMG Guidelines, 2015. Collection method: clinical testing. Allele origin: germline.
Comment: The KMT2D c.7123A>G variant is predicted to result in the amino acid substitution p.Thr2375Ala. To our knowledge, this variant has not been reported in the literature or in a large population database, indicating this variant is rare. At this time, the clinical significance of this variant is uncertain due to the absence of conclusive functional and genetic evidence.